The following is an entry in ClinVar:

ClinVar aggregate classification (germline): Conflicting classifications of pathogenicity. Review status: criteria provided, conflicting classifications (1 of 4 stars). 4 submissions from 4 submitters: Uncertain significance (1); Benign (1); Likely benign (2). Last evaluated 2026-09-10.

Conditions:
DNMT1-related disorder. Also called: DNMT1-related condition. Identifiers: MedGen CN381527.
Hereditary sensory neuropathy-deafness-dementia syndrome. Also called: HSN IE; Hereditary Sensory and Autonomic Neuropathy Type 1E (HSAN1E); Hereditary sensory neuropathy type IE; NEUROPATHY, HEREDITARY SENSORY, WITH HEARING LOSS AND DEMENTIA. Identifiers: Orphanet 456318, MedGen C3279885, MONDO:0013584, OMIM 614116.

Allele frequency attached by ClinVar (database versions not stated): gnomAD exomes 0.00001 and 0.00003; gnomAD 0.00002; TOPMed 0.00002; ExAC 0.00003.
gnomAD v4.1: 13 of 1,614,046 alleles (0.00081%); highest among the groups gnomAD compares: Admixed American, 0.018%; no homozygotes.

Submissions (4):

PreventionGenetics, part of Exact Sciences
Classification: Likely benign for DNMT1-related condition. Last evaluated: 2026-09-10. Review status: criteria provided, single submitter. Criteria: ACMG Guidelines, 2015. Collection method: clinical testing. Allele origin: germline.
Comment: This variant is classified as likely benign based on ACMG/AMP sequence variant interpretation guidelines (Richards et al. 2015 PMID: 25741868, with internal and published modifications).

Labcorp Genetics (formerly Invitae), Labcorp
Classification: Likely benign for Hereditary sensory neuropathy-deafness-dementia syndrome. Last evaluated: 2025-11-18. Review status: criteria provided, single submitter. Criteria: Invitae Variant Classification Sherloc (09022015). Collection method: clinical testing. Allele origin: germline.

Illumina Laboratory Services, Illumina
Classification: Benign for Hereditary sensory neuropathy-deafness-dementia syndrome. Last evaluated: 2018-01-12. Review status: criteria provided, single submitter. Criteria: ICSL Variant Classification Criteria 13 December 2019. Collection method: clinical testing. Allele origin: germline.
Comment: This variant was observed in the ICSL laboratory as part of a predisposition screen in an ostensibly healthy population. It had not been previously curated by ICSL or reported in the Human Gene Mutation Database (HGMD: prior to June 1st, 2018), and was therefore a candidate for classification through an automated scoring system. Utilizing variant allele frequency, disease prevalence and penetrance estimates, and inheritance mode, an automated score was calculated to assess if this variant is too frequent to cause the disease. Based on the score and internal cut-off values, a variant classified as benign is not then subjected to further curation. The score for this variant resulted in a classification of benign for this disease.

Eurofins Ntd Llc (ga)
Classification: Uncertain significance. Last evaluated: 2015-08-10. Review status: criteria provided, single submitter. Criteria: EGL Classification Definitions 2015. Collection method: clinical testing. Allele origin: germline. Observed: 1 variant allele, 1 heterozygote.

NM_001130823.3(DNMT1):c.4554C>T (p.His1518=)

Genes: DNMT1 (DNA methyltransferase 1; minus strand), LOC126862853 (CDK7 strongly-dependent group 2 enhancer GRCh37_chr19:10246117-10247316; plus strand). Cytogenetic location: 19p13.2.
Variant type: single nucleotide variant.
Coding change: c.4554C>T on transcript NM_001130823.3 (MANE Select); coding-DNA position 4554, C replaced by T.
Protein change: p.His1518=; no amino-acid change (histidine 1518 retained).
Molecular consequence: synonymous variant.
Genome position (GRCh38, 1-based): chr19:10,136,223, G>A on the plus strand (C>T on the coding strand, the complement: DNMT1 is on the minus strand). VCF-style: chr19-10136223-G-A. GRCh37 (hg19) VCF-style: chr19-10246899-G-A.
Other names: c.4554C>T (NM_001130823.2, LRG_362t1); c.4515C>T, p.His1505= (NM_001318730.2); c.4191C>T, p.His1397= (NM_001318731.2); c.4506C>T, p.His1502= (NM_001379.4).
Identifiers: ClinVar variation 282132 (VCV000282132.17), dbSNP rs753248212, ClinGen allele CA9187478.